The following is an entry in ClinVar:

NM_022081.6(HPS4):c.1109C>G (p.Ser370Cys)

Gene: HPS4 (HPS4 biogenesis of lysosomal organelles complex 3 subunit 2; minus strand). Cytogenetic location: 22q12.1.
Variant type: single nucleotide variant.
Coding change: c.1109C>G on transcript NM_022081.6 (MANE Select); coding-DNA position 1109, C replaced by G.
Protein change: p.Ser370Cys; replaces serine 370 with cysteine.
Molecular consequence: missense variant. On other transcripts: non-coding transcript variant (8).
Genome position (GRCh38, 1-based): chr22:26,464,521, G>C on the plus strand (C>G on the coding strand, the complement: HPS4 is on the minus strand). VCF-style: chr22-26464521-G-C. GRCh37 (hg19) VCF-style: chr22-26860487-G-C.
Other names: c.1109C>G, p.Ser370Cys (NM_001349896.1, NM_001349898.2, NM_001349899.2 and 5 more transcripts); c.1163C>G, p.Ser388Cys (NM_001349900.2, NM_001349901.1); c.1094C>G, p.Ser365Cys (NM_152841.2); short protein forms S370C, S388C, S365C.
Identifiers: ClinVar variation 2006630 (VCV002006630.4), dbSNP rs1338443235, ClinGen allele CA411027993.

ClinVar aggregate classification (germline): Uncertain significance (1 of 4 stars; one submission).

Allele frequency attached by ClinVar (database versions not stated): TOPMed below 0.00001; gnomAD 0.00001.
gnomAD v4.1: 1 of 1,614,084 alleles (0.000062%); highest among the groups gnomAD compares: Admixed American, 0.0017%; no homozygotes.

Submission:

Labcorp Genetics (formerly Invitae), Labcorp
Classification: Uncertain significance. Last evaluated: 2022-06-14. Review status: criteria provided, single submitter. Criteria: Invitae Variant Classification Sherloc (09022015). Collection method: clinical testing. Allele origin: germline.
Comment: In summary, the available evidence is currently insufficient to determine the role of this variant in disease. Therefore, it has been classified as a Variant of Uncertain Significance. Algorithms developed to predict the effect of missense changes on protein structure and function are either unavailable or do not agree on the potential impact of this missense change (SIFT: "Deleterious"; PolyPhen-2: "Probably Damaging"; Align-GVGD: "Class C0"). This variant has not been reported in the literature in individuals affected with HPS4-related conditions. This variant is not present in population databases (gnomAD no frequency). This sequence change replaces serine, which is neutral and polar, with cysteine, which is neutral and slightly polar, at codon 370 of the HPS4 protein (p.Ser370Cys).